The following is an entry in ClinVar:

ClinVar aggregate classification (germline): Uncertain significance (1 of 4 stars; one submission).

Conditions:
Immunodeficiency 35 (IMD35). Also called: TYK2 DEFICIENCY; HIES WITH ATYPICAL MYCOBACTERIOSIS, AUTOSOMAL RECESSIVE; HYPER-IgE SYNDROME WITH ATYPICAL MYCOBACTERIOSIS, AUTOSOMAL RECESSIVE; Susceptibility to infection due to TYK2 deficiency. Identifiers: Orphanet 331226, MedGen C1969086, MONDO:0012682, OMIM 611521.

Submission:

Labcorp Genetics (formerly Invitae), Labcorp
Classification: Uncertain significance for Immunodeficiency 35. Last evaluated: 2021-07-21. Review status: criteria provided, single submitter. Criteria: Invitae Variant Classification Sherloc (09022015). Collection method: clinical testing. Allele origin: germline.
Comment: In summary, the available evidence is currently insufficient to determine the role of this variant in disease. Therefore, it has been classified as a Variant of Uncertain Significance. Algorithms developed to predict the effect of missense changes on protein structure and function are either unavailable or do not agree on the potential impact of this missense change (SIFT: "Deleterious"; PolyPhen-2: "Probably Damaging"; Align-GVGD: "Class C15"). This variant has not been reported in the literature in individuals with TYK2-related conditions. This variant is not present in population databases (ExAC no frequency). This sequence change replaces aspartic acid with tyrosine at codon 78 of the TYK2 protein (p.Asp78Tyr). The aspartic acid residue is highly conserved and there is a large physicochemical difference between aspartic acid and tyrosine.

NM_003331.5(TYK2):c.232G>T (p.Asp78Tyr)

Gene: TYK2 (tyrosine kinase 2; minus strand). Cytogenetic location: 19p13.2.
Variant type: single nucleotide variant.
Coding change: c.232G>T on transcript NM_003331.5 (MANE Select); coding-DNA position 232, G replaced by T.
Protein change: p.Asp78Tyr; replaces aspartic acid 78 with tyrosine.
Molecular consequence: missense variant.
Genome position (GRCh38, 1-based): chr19:10,368,380, C>A on the plus strand (G>T on the coding strand, the complement: TYK2 is on the minus strand). VCF-style: chr19-10368380-C-A. GRCh37 (hg19) VCF-style: chr19-10479056-C-A.
Other names: short protein forms D78Y.
Identifiers: ClinVar variation 940796 (VCV000940796.8), dbSNP rs778171865, ClinGen allele CA404020360.
Genomic context (GRCh38, chr19:10,368,380, plus strand): 5'-TTGCATCTCTGGGGATCTCTAGGATGTGGTTTGGGGGCAACCAGACTTGGGCCTGAGCAT[C>A]GAAGAGGGCAAAGAGATTGAAGCAAGGAGGAGTGATACCTGGATCAGGTGAGAAACGAGG-3'
Protein context (NP_003322.3, residues 68-88): PPCFNLFALF[Asp78Tyr]AQAQVWLPPN